The following is an entry in ClinVar:

NM_000368.5(TSC1):c.3074G>A (p.Ser1025Asn)

Gene: TSC1 (TSC complex subunit 1; minus strand). Cytogenetic location: 9q34.13.
Variant type: single nucleotide variant.
Coding change: c.3074G>A on transcript NM_000368.5 (MANE Select); coding-DNA position 3074, G replaced by A.
Protein change: p.Ser1025Asn; replaces serine 1025 with asparagine.
Molecular consequence: missense variant.
Genome position (GRCh38, 1-based): chr9:132,896,656, C>T on the plus strand (G>A on the coding strand, the complement: TSC1 is on the minus strand). VCF-style: chr9-132896656-C-T. GRCh37 (hg19) VCF-style: chr9-135772043-C-T.
Other names: c.3071G>A, p.Ser1024Asn (NM_001162426.2); c.2921G>A, p.Ser974Asn (NM_001162427.2); c.2711G>A, p.Ser904Asn (NM_001362177.2); short protein forms S904N, S974N, S1025N, S1024N.
Identifiers: ClinVar variation 847106 (VCV000847106.13), dbSNP rs1845081620, ClinGen allele CA375367580.

ClinVar aggregate classification (germline): Conflicting classifications of pathogenicity. Review status: criteria provided, conflicting classifications (1 of 4 stars). 3 submissions from 3 submitters: Uncertain significance (2); Benign (1). Last evaluated 2025-08-10.

Conditions:
Hereditary cancer-predisposing syndrome. Also called: Neoplastic Syndromes, Hereditary; Hereditary Cancer Syndrome; Hereditary neoplastic syndrome; Tumor predisposition. Identifiers: Orphanet 140162, MedGen C0027672, MeSH D009386, MONDO:0015356.
Tuberous sclerosis syndrome (TSC). Also called: Tuberous Sclerosis Complex; Tuberous sclerosis. Identifiers: Orphanet 805, MedGen C0041341, MONDO:0001734.
Tuberous sclerosis 1 (TSC1). Identifiers: Orphanet 805, MedGen C1854465, MONDO:0008612, OMIM 191100.

Submissions (3):

Labcorp Genetics (formerly Invitae), Labcorp
Classification: Benign for Tuberous sclerosis 1. Last evaluated: 2025-08-10. Review status: criteria provided, single submitter. Criteria: Invitae Variant Classification Sherloc (09022015). Collection method: clinical testing. Allele origin: germline.

Ambry Genetics
Classification: Uncertain significance for Hereditary cancer-predisposing syndrome. Last evaluated: 2024-02-12. Review status: criteria provided, single submitter. Criteria: Ambry Variant Classification Scheme 2023. Collection method: clinical testing. Allele origin: germline.
Comment: The p.S1025N variant (also known as c.3074G>A), located in coding exon 21 of the TSC1 gene, results from a G to A substitution at nucleotide position 3074. The serine at codon 1025 is replaced by asparagine, an amino acid with highly similar properties. This amino acid position is not well conserved in available vertebrate species. In addition, this alteration is predicted to be tolerated by in silico analysis. Since supporting evidence is limited at this time, the clinical significance of this alteration remains unclear.

All of Us Research Program, National Institutes of Health
Classification: Uncertain significance for Tuberous sclerosis syndrome. Last evaluated: 2023-11-20. Review status: criteria provided, single submitter. Criteria: ACMG Guidelines, 2015. Collection method: clinical testing. Allele origin: germline. Inheritance: Autosomal dominant inheritance. Observed: 1 variant allele, 1 heterozygote.
Comment: This missense variant replaces serine with asparagine at codon 1025 of the TSC1 protein. Computational prediction suggests that this variant may not impact protein structure and function (internally defined REVEL score threshold <= 0.5, PMID: 27666373). To our knowledge, functional studies have not been reported for this variant. This variant has not been reported in individuals affected with TSC1-related disorders in the literature. This variant has not been identified in the general population by the Genome Aggregation Database (gnomAD). The available evidence is insufficient to determine the role of this variant in disease conclusively. Therefore, this variant is classified as a Variant of Uncertain Significance.

This study involves interpretation of variants in research participants for the purpose of population health screening. Participant phenotype was not available at the time of variant classification. Additional details can be found in publication PMID: 35346344, PMCID: PMC8962531